The following is an entry in ClinVar:

NM_000138.5(FBN1):c.3460A>G (p.Ile1154Val)

Gene: FBN1 (fibrillin 1; minus strand). Cytogenetic location: 15q21.1.
Variant type: single nucleotide variant.
Coding change: c.3460A>G on transcript NM_000138.5 (MANE Select); coding-DNA position 3460, A replaced by G.
Protein change: p.Ile1154Val; replaces isoleucine 1154 with valine.
Molecular consequence: missense variant.
Genome position (GRCh38, 1-based): chr15:48,487,315, T>C on the plus strand (A>G on the coding strand, the complement: FBN1 is on the minus strand). VCF-style: chr15-48487315-T-C. GRCh37 (hg19) VCF-style: chr15-48779512-T-C.
Other names: c.3460A>G, p.Ile1154Val (NM_001406716.1); short protein forms I1154V.
Identifiers: ClinVar variation 3073616 (VCV003073616.2), dbSNP rs1043235195, ClinGen allele CA269531140.
Genomic context (GRCh38, chr15:48,487,315, plus strand): 5'-ATGATGTCATTCAAACAACTGACCACAAGTAAATGGTGTGAAAGTCTTTCTCCTTACCGA[T>C]ACACGCGGAGATGTTGGGGGACAGCTGATGGCCAGGCGGGCATTCACAGCGGTAACTTCC-3'
Protein context (NP_000129.3, residues 1144-1164): HQLSPNISAC[Ile1154Val]DINECELSAH

ClinVar aggregate classification (germline): Uncertain significance. Review status: criteria provided, multiple submitters, no conflicts (2 of 4 stars). 2 submissions from 2 submitters: Uncertain significance (2). Last evaluated 2026-04-27.

Conditions:
Marfan syndrome (MFS). Also called: MARFAN SYNDROME, TYPE I; Marfan syndrome type 1; Marfan's syndrome; Marfan syndrome, classic; FBN1-Related Marfan Syndrome. Identifiers: Orphanet 284963, Orphanet 558, MedGen C0024796, MONDO:0007947, OMIM 154700.
Familial thoracic aortic aneurysm and aortic dissection (TAAD). Also called: Thoracic aortic aneurysms and dissections. Identifiers: Orphanet 91387, MedGen C4707243, MONDO:0019625.

Allele frequency attached by ClinVar (database versions not stated): TOPMed 0.00002.

Submissions (2):

Ambry Genetics
Classification: Uncertain significance for Familial thoracic aortic aneurysm and aortic dissection. Last evaluated: 2026-04-27. Review status: criteria provided, single submitter. Criteria: Ambry Variant Classification Scheme 2023. Collection method: clinical testing. Allele origin: germline.
Comment: The p.I1154V variant (also known as c.3460A>G), located in coding exon 27 of the FBN1 gene, results from an A to G substitution at nucleotide position 3460. The isoleucine at codon 1154 is replaced by valine, an amino acid with highly similar properties. This amino acid position is conserved. In addition, this alteration is predicted to be tolerated by in silico analysis. Based on the available evidence, the clinical significance of this variant remains unclear.

All of Us Research Program, National Institutes of Health
Classification: Uncertain significance for Marfan syndrome. Last evaluated: 2023-10-02. Review status: criteria provided, single submitter. Criteria: ACMG Guidelines, 2015. Collection method: clinical testing. Allele origin: germline. Inheritance: Autosomal dominant inheritance. Observed: 1 variant allele, 1 heterozygote.
Comment: This missense variant replaces isoleucine with valine at codon 1154 of the FBN1 protein. Computational prediction suggests that this variant may not impact protein structure and function (internally defined REVEL score threshold <= 0.5, PMID: 27666373). To our knowledge, functional studies have not been reported for this variant. This variant has not been reported in individuals affected with FBN1-related disorders in the literature. This variant has not been identified in the general population by the Genome Aggregation Database (gnomAD). The available evidence is insufficient to determine the role of this variant in disease conclusively. Therefore, this variant is classified as a Variant of Uncertain Significance.

This study involves interpretation of variants in research participants for the purpose of population health screening. Participant phenotype was not available at the time of variant classification. Additional details can be found in publication PMID: 35346344, PMCID: PMC8962531